The following is an entry in ClinVar:

NM_004369.4(COL6A3):c.4094C>T (p.Ala1365Val)

Gene: COL6A3 (collagen type VI alpha 3 chain; minus strand). Cytogenetic location: 2q37.3.
Variant type: single nucleotide variant.
Coding change: c.4094C>T on transcript NM_004369.4 (MANE Select); coding-DNA position 4094, C replaced by T.
Protein change: p.Ala1365Val; replaces alanine 1365 with valine.
Molecular consequence: missense variant.
Genome position (GRCh38, 1-based): chr2:237,371,923, G>A on the plus strand (C>T on the coding strand, the complement: COL6A3 is on the minus strand). VCF-style: chr2-237371923-G-A. GRCh37 (hg19) VCF-style: chr2-238280566-G-A.
Other names: c.2873C>T, p.Ala958Val (NM_057164.5); c.3476C>T, p.Ala1159Val (NM_057165.5, NM_057167.4); c.2273C>T, p.Ala758Val (NM_057166.5); short protein forms A1365V, A1159V, A758V, A958V.
Identifiers: ClinVar variation 1968540 (VCV001968540.5), dbSNP rs2469896666, ClinGen allele CA351197039.

ClinVar aggregate classification (germline): Uncertain significance (1 of 4 stars; one submission).

Conditions:
Bethlem myopathy 1A. Also called: MYOPATHY, BENIGN CONGENITAL, WITH CONTRACTURES; Bethlem myopathy 1; Bethlem Muscular Dystrophy. Identifiers: Orphanet 610, MedGen CN029274, MONDO:0024530, OMIM 158810.

Submission:

Labcorp Genetics (formerly Invitae), Labcorp
Classification: Uncertain significance for Bethlem myopathy 1A. Last evaluated: 2022-01-03. Review status: criteria provided, single submitter. Criteria: Invitae Variant Classification Sherloc (09022015). Collection method: clinical testing. Allele origin: germline.
Comment: This variant is not present in population databases (gnomAD no frequency). This sequence change replaces alanine, which is neutral and non-polar, with valine, which is neutral and non-polar, at codon 1365 of the COL6A3 protein (p.Ala1365Val). This variant has not been reported in the literature in individuals affected with COL6A3-related conditions. In summary, the available evidence is currently insufficient to determine the role of this variant in disease. Therefore, it has been classified as a Variant of Uncertain Significance. Advanced modeling of protein sequence and biophysical properties (such as structural, functional, and spatial information, amino acid conservation, physicochemical variation, residue mobility, and thermodynamic stability) performed at Invitae indicates that this missense variant is not expected to disrupt COL6A3 protein function.